The following is an entry in ClinVar:

NM_003647.3(DGKE):c.654C>T (p.Thr218=)

Gene: DGKE (diacylglycerol kinase epsilon; plus strand). Cytogenetic location: 17q22.
Variant type: single nucleotide variant.
Coding change: c.654C>T on transcript NM_003647.3 (MANE Select); coding-DNA position 654, C replaced by T.
Protein change: p.Thr218=; no amino-acid change (threonine 218 retained).
Molecular consequence: synonymous variant.
Genome position (GRCh38, 1-based): chr17:56,845,719, C>T. VCF-style: chr17-56845719-C-T. GRCh37 (hg19) VCF-style: chr17-54923080-C-T.
Identifiers: ClinVar variation 4280362 (VCV004280362.2).
Genomic context (GRCh38, chr17:56,845,719, plus strand): 5'-AAACCTTTTCACTCATGGCAATTTTTTTTAGCTAGCCTCTAAGCTTGGAAAGCAGTGGAC[C>T]CCATTAATAATCCTGGCCAACTCTCGTAGTGGAACTAATATGGGAGAAGGACTGTTGGGA-3'
Protein context (NP_003638.1, residues 208-228): VLASKLGKQW[Thr218=]PLIILANSRS

ClinVar aggregate classification (germline): Likely benign (1 of 4 stars; one submission).

Conditions:
Atypical hemolytic-uremic syndrome. Identifiers: Orphanet 2134, MedGen C2931788, MONDO:0016244.
Immunoglobulin-mediated membranoproliferative glomerulonephritis. Also called: Nephrotic syndrome, type 7; NEPHROTIC SYNDROME, TYPE 7, WITH MEMBRANOPROLIFERATIVE GLOMERULONEPHRITIS. Identifiers: Orphanet 329903, MedGen C3554330, MONDO:0014005, OMIM 615008.
Mesangiocapillary glomerulonephritis. Also called: Membranoproliferative glomerulonephritis. Identifiers: MedGen C0017662, MONDO:0002461, HP:0000793.

gnomAD v4.1: 10 of 1,611,352 alleles (0.00062%); highest among the groups gnomAD compares: Non-Finnish European, 0.00085%; no homozygotes.

Submission:

Genomenon, Inc
Classification: Likely benign for Primary membranoproliferative glomerulonephritis. Last evaluated: 2026-09-17. Review status: criteria provided, single submitter. Criteria: Genomenon Sequence Variant Interpretation Standards - Updated. Collection method: curation. Allele origin: germline. Affected: no.
Comment: DGKE c.654C>T is a synonymous variant that retains Threonine at codon 218. This variant has been reported in the published literature (PMID:38250251). It is absent or not present at a significant frequency in gnomAD. This variant is not predicted to impact splicing. In conclusion, we classify DGKE p.Thr218= (c.654C>T) as a likely benign variant.

Literature cited by the submitters: PubMed 38250251.